The following is an entry in ClinVar:

ClinVar aggregate classification (germline): Conflicting classifications of pathogenicity. Review status: criteria provided, conflicting classifications (1 of 4 stars). 9 submissions from 9 submitters: Uncertain significance (7); Likely benign (1). 1 of the submissions does not count toward it. Last evaluated 2026-06-20.

Conditions:
BRCA2-related cancer predisposition. Identifiers: MedGen CN377758, MONDO:0700269.
BRCA2-related disorder. Also called: BRCA2-related condition; BRCA2-related disorders. Identifiers: MedGen CN239275.
Hereditary cancer-predisposing syndrome. Also called: Neoplastic Syndromes, Hereditary; Hereditary Cancer Syndrome; Tumor predisposition; Hereditary neoplastic syndrome. Identifiers: Orphanet 140162, MedGen C0027672, MeSH D009386, MONDO:0015356.
Hereditary breast ovarian cancer syndrome. Also called: BRCA1- and BRCA2-Associated Hereditary Breast and Ovarian Cancer; Hereditary breast and ovarian cancer; Hereditary breast and ovarian cancer syndrome; Hereditary breast and ovarian cancer syndrome (HBOC); Hereditary breast and/or ovarian cancer syndrome; Breast and ovarian cancer. Identifiers: Orphanet 145, MedGen C0677776, MeSH D061325, MONDO:0003582. Disease mechanism: loss of function.
Familial cancer of breast. Also called: BREAST CANCER, FAMILIAL; Hereditary breast cancer; hereditary breast carcinoma. Identifiers: Orphanet 227535, MedGen C0346153, MONDO:0016419, OMIM 114480. Disease mechanism: loss of function.

Allele frequency attached by ClinVar (database versions not stated): ExAC 0.00001; gnomAD 0.00001; gnomAD exomes 0.00001; 1000 Genomes Project 30x 0.00016; 1000 Genomes Project 0.00020.
gnomAD v4.1: 4 of 1,601,914 alleles (0.00025%); highest among the groups gnomAD compares: East Asian, 0.0089%; no homozygotes.

Submissions (9):

PreventionGenetics, part of Exact Sciences
Classification: Uncertain significance for BRCA2-related condition. Last evaluated: 2026-06-20. Review status: criteria provided, single submitter. Criteria: ACMG Guidelines, 2015. Collection method: clinical testing. Allele origin: germline.
Comment: The BRCA2 c.3220A>T variant is predicted to result in the amino acid substitution p.Ser1074Cys. This variant has been reported germline in an individual with pancreatic neuroendocrine tumor (Table e4, Yin et al. 2022. PubMed ID: 35171259) and germline in two individuals with breast and/or ovarian cancer (Table S1, Zhang et al. 2022. PubMed ID: 35918668; Yoon et al. 2016. PubMed ID: 27658390). It has also been reported with the same frequency in individuals with colorectal cancer and controls (Table S5, Fujita et al. 2020. PubMed ID: 33309985). This variant occurs within a region of the BRCA2 gene that is predicted to be tolerant to missense variation (Table 2, Dines et al. 2020. PubMed ID: 31911673). A functional study comparing in vitro homologous recombination activity and several in silico prediction models all indicated this variant to be benign (Guo et al. 2023. PubMed ID: 37731132). It has conflicting classifications in ClinVar ranging from likely benign to uncertain (Variation ID: 491235 ). This variant is reported in 0.017% of alleles in individuals of East Asian descent in gnomAD, which may be too common to be a primary cause of disease. Although we suspect that this variant may be benign, at this time, the clinical significance of this variant is uncertain due to the absence of conclusive functional and genetic evidence.

Labcorp Genetics (formerly Invitae), Labcorp
Classification: Uncertain significance for Hereditary breast ovarian cancer syndrome. Last evaluated: 2025-08-29. Review status: criteria provided, single submitter. Criteria: Invitae Variant Classification Sherloc (09022015). Collection method: clinical testing. Allele origin: germline.
Comment: This sequence change replaces serine, which is neutral and polar, with cysteine, which is neutral and slightly polar, at codon 1074 of the BRCA2 protein (p.Ser1074Cys). This variant is present in population databases (rs145605603, gnomAD 0.01%). This missense change has been observed in individual(s) with breast cancer and/or ovarian cancer (PMID: 27658390, 30287823, 31907386). ClinVar contains an entry for this variant (Variation ID: 491235). Invitae Evidence Modeling of protein sequence and biophysical properties (such as structural, functional, and spatial information, amino acid conservation, physicochemical variation, residue mobility, and thermodynamic stability) indicates that this missense variant is not expected to disrupt BRCA2 protein function with a negative predictive value of 95%. Experimental studies have shown that this missense change does not substantially affect BRCA2 function (PMID: 37731132). In summary, the available evidence is currently insufficient to determine the role of this variant in disease. Therefore, it has been classified as a Variant of Uncertain Significance.

Quest Diagnostics Nichols Institute San Juan Capistrano
Classification: Uncertain significance. Last evaluated: 2025-08-05. Review status: criteria provided, single submitter. Criteria: Quest Diagnostics criteria. Collection method: clinical testing. Allele origin: unknown.
Comment: The BRCA2 c.3220A>T (p.Ser1074Cys) variant has been reported in the published literature in individuals with breast and/or ovarian cancer (PMIDs: 27658390 (2017), 30287823 (2018), 33078592 (2020), 33471991 (2021), see also LOVD, 35918668 (2022)) and colorectal cancer (PMID: 33309985 (2020)), as well as in reportedly unaffected individuals (PMIDs: 27658390 (2017), 30287823 (2018), 33309985 (2020), 33471991 (2021), see also LOVD, 36243179 (2022)). Assessment of experimental analysis yielded inconclusive results regarding the impact of this variant on protein function (PMIDs: 32444794 (2020), 37731132 (2023)). The frequency of this variant in the general population (Genome Aggregation Database) is uninformative in the assessment of its pathogenicity. Analysis of this variant using bioinformatics tools for the prediction of the effect of amino acid changes on protein structure and function yielded conflicting predictions that this variant is benign or damaging. Based on the available information, we are unable to determine the clinical significance of this variant.

GeneDx
Classification: Uncertain significance. Last evaluated: 2024-09-22. Review status: criteria provided, single submitter. Criteria: GeneDx Variant Classification Process June 2021. Collection method: clinical testing. Allele origin: germline. Affected: yes.
Comment: Published functional studies demonstrate homologous recombination activity similar to wild-type (PMID: 37731132); Not observed at significant frequency in large population cohorts (gnomAD); In silico analysis supports that this missense variant has a deleterious effect on protein structure/function; Also known as 3448A>T; This variant is associated with the following publications: (PMID: 31825140, 27658390, 32467295, 31907386, 36243179, 35171259, 30287823, 35918668, 33078592, 33309985, 37731132)

All of Us Research Program, National Institutes of Health
Classification: Uncertain significance for BRCA2-related cancer predisposition. Last evaluated: 2024-03-24. Review status: criteria provided, single submitter. Criteria: ACMG Guidelines, 2015. Collection method: clinical testing. Allele origin: germline. Inheritance: Autosomal dominant inheritance. Observed: 2 variant alleles, 2 heterozygotes.
Comment: This missense variant replaces serine with cysteine at codon 1074 of the BRCA2 protein. Computational prediction suggests that this variant may not impact protein structure and function. To our knowledge, functional studies have not been reported for this variant. This variant has been detected in breast, colorectal, pancreatic, and prostate cancer case-controls studies in which disease association could not be established (PMID: 27658390, 30287823, 31214711, 32980694, 33309985, 33471991). This variant has been identified in 3/243162 chromosomes in the general population by the Genome Aggregation Database (gnomAD). The available evidence is insufficient to determine the role of this variant in disease conclusively. Therefore, this variant is classified as a Variant of Uncertain Significance.

This study involves interpretation of variants in research participants for the purpose of population health screening. Participant phenotype was not available at the time of variant classification. Additional details can be found in publication PMID: 35346344, PMCID: PMC8962531

Ambry Genetics
Classification: Uncertain significance for Hereditary cancer-predisposing syndrome. Last evaluated: 2024-03-15. Review status: criteria provided, single submitter. Criteria: Ambry Variant Classification Scheme 2023. Collection method: clinical testing. Allele origin: germline.
Comment: The p.S1074C variant (also known as c.3220A>T), located in coding exon 10 of the BRCA2 gene, results from an A to T substitution at nucleotide position 3220. The serine at codon 1074 is replaced by cysteine, an amino acid with dissimilar properties. This variant was identified in 1 of 1009 patients amongst a cohort of Chinese patients with a personal history of pancreatic ductal adenocarcinoma (Yin L et al. JAMA Netw Open, 2022 Feb;5:e2148721), and was detected in 2/1664 Chinese Hakka patients with breast and/or ovarian cancer (Zhang Y et al. BMC Cancer, 2022 Aug;22:842). This variant was identified in 2/328 individuals diagnosed with breast cancer and 1/421 controls of Korean ancestry (Yoon KA et al. Cancer Res Treat, 2017 Jul;49:627-634). This variant was also observed with an allele frequency of 0.00057 in 7,051 unselected female breast cancer patients and was observed with an allele frequency of 0.00027 in 11,241 female controls of Japanese ancestry. In addition, it was observed with an allele frequency of 0.0000 in 53 unselected male breast cancer patients and was observed with an allele frequency of 0.0004 in 12,490 male controls of Japanese ancestry (Momozawa Y et al. Nat Commun, 2018 10;9:4083). Additionally, this variant has been identified in 4/12503 unselected Japanese colorectal cancer patients and in 8/23705 controls (Fujita M et al. Clin Gastroenterol Hepatol, 2020 Dec). This amino acid position is not well conserved in available vertebrate species. In addition, this alteration is predicted to be tolerated by in silico analysis. Based on the available evidence, the clinical significance of this alteration remains unclear.

Color Diagnostics, LLC DBA Color Health
Classification: Uncertain significance for Hereditary cancer-predisposing syndrome. Last evaluated: 2024-03-11. Review status: criteria provided, single submitter. Criteria: ACMG Guidelines, 2015. Collection method: clinical testing. Allele origin: germline.
Comment: This missense variant replaces serine with cysteine at codon 1074 of the BRCA2 protein. Computational prediction suggests that this variant may not impact protein structure and function. To our knowledge, functional studies have not been reported for this variant. This variant has been detected in breast, colorectal, pancreatic, and prostate cancer case-controls studies in which disease association could not be established (PMID: 27658390, 30287823, 31214711, 32980694, 33309985, 33471991). This variant has been identified in 3/243162 chromosomes in the general population by the Genome Aggregation Database (gnomAD). The available evidence is insufficient to determine the role of this variant in disease conclusively. Therefore, this variant is classified as a Variant of Uncertain Significance.

University of Washington Department of Laboratory Medicine, University of Washington
Classification: Likely benign for Hereditary cancer-predisposing syndrome. Last evaluated: 2023-03-23. Review status: criteria provided, single submitter. Criteria: Dines et al. (Genet Med. 2020). Collection method: curation. Allele origin: germline.
Comment: Missense variant in a coldspot region where missense variants are very unlikely to be pathogenic (PMID:31911673).

BRCA2 exon 11 coldspot. Reclassification based on statistical prior probability.

Center for Precision Medicine, Meizhou People's Hospital
Classification: Uncertain significance for Familial cancer of breast. Review status: no assertion criteria provided. Collection method: curation. Allele origin: germline. Affected: yes. Not counted in ClinVar's aggregate classification.

Literature cited by the submitters: PubMed 27658390 (cited by 5 submitters); PubMed 30287823 (cited by 5 submitters); PubMed 31907386 (cited by Labcorp Genetics (formerly Invitae), Labcorp); PubMed 37731132 (cited by Labcorp Genetics (formerly Invitae), Labcorp and Quest Diagnostics Nichols Institute San Juan Capistrano); PubMed 33309985 (cited by 4 submitters); PubMed 35171259 (cited by Quest Diagnostics Nichols Institute San Juan Capistrano and Ambry Genetics); PubMed 35918668 (cited by Quest Diagnostics Nichols Institute San Juan Capistrano and Ambry Genetics); PubMed 36243179 (cited by Quest Diagnostics Nichols Institute San Juan Capistrano); PubMed 31825140 (cited by Quest Diagnostics Nichols Institute San Juan Capistrano); PubMed 32467295 (cited by Quest Diagnostics Nichols Institute San Juan Capistrano); PubMed 33078592 (cited by Quest Diagnostics Nichols Institute San Juan Capistrano); PubMed 32444794 (cited by Quest Diagnostics Nichols Institute San Juan Capistrano); PubMed 31214711 (cited by All of Us Research Program, National Institutes of Health and Color Diagnostics, LLC DBA Color Health); PubMed 32980694 (cited by All of Us Research Program, National Institutes of Health and Color Diagnostics, LLC DBA Color Health); PubMed 33471991 (cited by All of Us Research Program, National Institutes of Health and Color Diagnostics, LLC DBA Color Health).

NM_000059.4(BRCA2):c.3220A>T (p.Ser1074Cys)

Gene: BRCA2 (BRCA2 DNA repair associated; plus strand). Cytogenetic location: 13q13.1.
Variant type: single nucleotide variant.
Coding change: c.3220A>T on transcript NM_000059.4 (MANE Select); coding-DNA position 3220, A replaced by T.
Protein change: p.Ser1074Cys; replaces serine 1074 with cysteine.
Molecular consequence: missense variant.
Genome position (GRCh38, 1-based): chr13:32,337,575, A>T. VCF-style: chr13-32337575-A-T. GRCh37 (hg19) VCF-style: chr13-32911712-A-T.
Other names: short protein forms S1074C.
Identifiers: ClinVar variation 491235 (VCV000491235.27), dbSNP rs145605603, ClinGen allele CA6940679.